The following is an entry in ClinVar:

NM_001429.4(EP300):c.705A>G (p.Gly235=)

Gene: EP300 (EP300 lysine acetyltransferase; plus strand). Cytogenetic location: 22q13.2.
Variant type: single nucleotide variant.
Coding change: c.705A>G on transcript NM_001429.4 (MANE Select); coding-DNA position 705, A replaced by G.
Protein change: p.Gly235=; no amino-acid change (glycine 235 retained).
Molecular consequence: synonymous variant.
Genome position (GRCh38, 1-based): chr22:41,117,797, A>G. VCF-style: chr22-41117797-A-G. GRCh37 (hg19) VCF-style: chr22-41513801-A-G.
Other names: c.705A>G, p.Gly235= (NM_001362843.2).
Identifiers: ClinVar variation 3351299 (VCV003351299.2).

ClinVar aggregate classification (germline): Likely benign. Review status: criteria provided, single submitter (1 of 4 stars). 2 submissions from 2 submitters: Likely benign (1). 1 of the submissions does not count toward it. Last evaluated 2020-12-11.

Conditions:
EP300-related disorder. Also called: EP300-related disorders; EP300-related condition.

gnomAD v4.1: 19 of 1,614,170 alleles (0.0012%); highest among the groups gnomAD compares: Non-Finnish European, 0.0016%; no homozygotes.

Submissions (2):

Blueprint Genetics
Classification: Likely benign. Last evaluated: 2020-12-11. Review status: criteria provided, single submitter. Criteria: ACMG Guidelines, 2015. Collection method: clinical testing. Allele origin: germline.

PreventionGenetics, part of Exact Sciences
Classification: Likely benign for EP300-related condition. Last evaluated: 2022-04-14. Review status: no assertion criteria provided. Collection method: clinical testing. Allele origin: germline. Not counted in ClinVar's aggregate classification.
Comment: This variant is classified as likely benign based on ACMG/AMP sequence variant interpretation guidelines (Richards et al. 2015 PMID: 25741868, with internal and published modifications).